The following is an entry in ClinVar:

NM_015335.5(MED13L):c.359C>T (p.Thr120Met)

Gene: MED13L (mediator complex subunit 13L; minus strand). Cytogenetic location: 12q24.21.
Variant type: single nucleotide variant.
Coding change: c.359C>T on transcript NM_015335.5 (MANE Select); coding-DNA position 359, C replaced by T.
Protein change: p.Thr120Met; replaces threonine 120 with methionine.
Molecular consequence: missense variant.
Genome position (GRCh38, 1-based): chr12:116,111,464, G>A on the plus strand (C>T on the coding strand, the complement: MED13L is on the minus strand). VCF-style: chr12-116111464-G-A. GRCh37 (hg19) VCF-style: chr12-116549269-G-A.
Other names: short protein forms T120M.
Identifiers: ClinVar variation 2908800 (VCV002908800.25), dbSNP rs765903997, ClinGen allele CA6811706.

ClinVar aggregate classification (germline): Conflicting classifications of pathogenicity. Review status: criteria provided, conflicting classifications (1 of 4 stars). 2 submissions from 2 submitters: Uncertain significance (1); Likely benign (1). Last evaluated 2024-06-07.

Conditions:
Dextro-looped transposition of the great arteries. Also called: Dextrotransposition of the great arteries. Identifiers: Orphanet 860, MedGen C3531771, MONDO:0019443, OMIM 608808, HP:0031348.

Allele frequency attached by ClinVar (database versions not stated): gnomAD exomes below 0.00001; gnomAD 0.00003; ExAC 0.00001; TOPMed 0.00001.
gnomAD v4.1: 9 of 1,610,282 alleles (0.00056%); highest among the groups gnomAD compares: African/African-American, 0.0054%; no homozygotes.

Submissions (2):

Labcorp Genetics (formerly Invitae), Labcorp
Classification: Likely benign for Dextro-looped transposition of the great arteries. Last evaluated: 2024-06-07. Review status: criteria provided, single submitter. Criteria: Invitae Variant Classification Sherloc (09022015). Collection method: clinical testing. Allele origin: germline.

CeGaT Center for Human Genetics Tuebingen
Classification: Uncertain significance. Last evaluated: 2024-02-01. Review status: criteria provided, single submitter. Criteria: CeGaT Center For Human Genetics Tuebingen Variant Classification Criteria Version 2. Collection method: clinical testing. Allele origin: germline. Affected: yes. Observed: 1 variant allele.
Comment: MED13L: PP3